The following is an entry in ClinVar:

ClinVar aggregate classification (germline): Uncertain significance. Review status: criteria provided, multiple submitters, no conflicts (2 of 4 stars). 2 submissions from 2 submitters: Uncertain significance (2). Last evaluated 2022-12-20.

Allele frequency attached by ClinVar (database versions not stated): gnomAD exomes 0.00001; TOPMed 0.00002.
gnomAD v4.1: 8 of 1,551,774 alleles (0.00052%); highest among the groups gnomAD compares: Non-Finnish European, 0.0007%; no homozygotes.

Submissions (2):

Labcorp Genetics (formerly Invitae), Labcorp
Classification: Uncertain significance. Last evaluated: 2022-12-20. Review status: criteria provided, single submitter. Criteria: Invitae Variant Classification Sherloc (09022015). Collection method: clinical testing. Allele origin: germline.
Comment: In summary, the available evidence is currently insufficient to determine the role of this variant in disease. Therefore, it has been classified as a Variant of Uncertain Significance. Algorithms developed to predict the effect of missense changes on protein structure and function output the following: SIFT: "Tolerated"; PolyPhen-2: "Benign"; Align-GVGD: "Class C0". The serine amino acid residue is found in multiple mammalian species, which suggests that this missense change does not adversely affect protein function. This variant has not been reported in the literature in individuals affected with DTHD1-related conditions. This variant is present in population databases (no rsID available, gnomAD 0.007%). This sequence change replaces asparagine, which is neutral and polar, with serine, which is neutral and polar, at codon 550 of the DTHD1 protein (p.Asn550Ser).

Blueprint Genetics
Classification: Uncertain significance. Last evaluated: 2022-07-19. Review status: criteria provided, single submitter. Criteria: ACMG Guidelines, 2015. Collection method: clinical testing. Allele origin: germline.

NM_001170700.3(DTHD1):c.2519A>G (p.Asn840Ser)

Gene: DTHD1 (death domain containing 1; plus strand). Cytogenetic location: 4p14.
Variant type: single nucleotide variant.
Coding change: c.2519A>G on transcript NM_001170700.3 (MANE Select); coding-DNA position 2519, A replaced by G.
Protein change: p.Asn840Ser; replaces asparagine 840 with serine.
Molecular consequence: missense variant. On other transcripts: non-coding transcript variant (2).
Genome position (GRCh38, 1-based): chr4:36,343,622, A>G. VCF-style: chr4-36343622-A-G. GRCh37 (hg19) VCF-style: chr4-36345244-A-G.
Other names: c.1649A>G, p.Asn550Ser (NM_001136536.5); c.1528A>G, p.Thr510Ala (NM_001378435.1); short protein forms N550S, N840S, T510A.
Identifiers: ClinVar variation 2428190 (VCV002428190.7), dbSNP rs1027028687, ClinGen allele CA95814268.